The following is an entry in ClinVar:

ClinVar aggregate classification (germline): Uncertain significance (1 of 4 stars; one submission).

Conditions:
Developmental and epileptic encephalopathy 94 (DEE94). Also called: CHD2-Related Neurodevelopmental Disorders; Epileptic encephalopathy, childhood-onset. Identifiers: Orphanet 1942, Orphanet 2382, MedGen C3809278, MONDO:0014150, OMIM 615369.

Submission:

Labcorp Genetics (formerly Invitae), Labcorp
Classification: Uncertain significance for Developmental and epileptic encephalopathy 94. Last evaluated: 2021-06-03. Review status: criteria provided, single submitter. Criteria: Invitae Variant Classification Sherloc (09022015). Collection method: clinical testing. Allele origin: germline.
Comment: This variant results in a copy number gain of the genomic region encompassing exon(s) 22-39 of the CHD2 gene. The 5' boundary is likely confined to intron 21. The 3' end of this event is unknown as it extends beyond the assayed region for this gene and therefore may encompass additional genes. As the precise location of this event is unknown, it may be in tandem or it may be located elsewhere in the genome. This variant has not been reported in the literature in individuals with CHD2-related conditions. In summary, the available evidence is currently insufficient to determine the role of this variant in disease. Therefore, it has been classified as a Variant of Uncertain Significance.

NC_000015.9:g.(?_93522345)_(93567935_?)dup

Gene: CHD2 (chromodomain helicase DNA binding protein 2; plus strand). Cytogenetic location: 15q26.1.
Variant type: Duplication.
Identifiers: ClinVar variation 1482037 (VCV001482037.5).